The following is an entry in ClinVar:

ClinVar aggregate classification (germline): Uncertain significance (1 of 4 stars; one submission).

Conditions:
Intellectual developmental disorder, FRA12A type. Also called: Intellectual disability, FRA12A type. Identifiers: MedGen C1969893, MONDO:0007634, OMIM 136630.

Submission:

Juno Genomics, Hangzhou Juno Genomics, Inc
Classification: Uncertain significance for Intellectual developmental disorder, FRA12A type. Review status: criteria provided, single submitter. Criteria: ACMG Guidelines, 2015. Collection method: clinical testing. Allele origin: germline.
Comment: Absent from controls (or at extremely low frequency if recessive) in Genome Aggregation Database.;Multiple lines of computational evidence support a deleterious effect on the gene or gene product.

NM_173602.3(DIP2B):c.302-5172G>C

Gene: DIP2B (DIP2 acetate--CoA ligase B (putative); plus strand). Cytogenetic location: 12q13.12.
Variant type: single nucleotide variant.
Coding change: c.302-5172G>C on transcript NM_173602.3 (MANE Select); 5172 bases into the intron before coding-DNA position 302, G replaced by C.
Molecular consequence: intron variant.
Genome position (GRCh38, 1-based): chr12:50,655,022, G>C. VCF-style: chr12-50655022-G-C. GRCh37 (hg19) VCF-style: chr12-51048805-G-C.
Identifiers: ClinVar variation 5018819 (VCV005018819.2).